The following is an entry in ClinVar:

NM_000465.4(BARD1):c.2271G>T (p.Lys757Asn)

Gene: BARD1 (BRCA1 associated RING domain 1; minus strand). Cytogenetic location: 2q35.
Variant type: single nucleotide variant.
Coding change: c.2271G>T on transcript NM_000465.4 (MANE Select); coding-DNA position 2271, G replaced by T.
Protein change: p.Lys757Asn; replaces lysine 757 with asparagine.
Molecular consequence: missense variant. On other transcripts: non-coding transcript variant (3).
Genome position (GRCh38, 1-based): chr2:214,728,739, C>A on the plus strand (G>T on the coding strand, the complement: BARD1 is on the minus strand). VCF-style: chr2-214728739-C-A. GRCh37 (hg19) VCF-style: chr2-215593463-C-A.
Other names: c.2214G>T, p.Lys738Asn (NM_001282543.2); c.918G>T, p.Lys306Asn (NM_001282545.2); c.861G>T, p.Lys287Asn (NM_001282548.2); c.732G>T, p.Lys244Asn (NM_001282549.2); short protein forms K757N, K244N, K287N, K306N, K738N.
Identifiers: ClinVar variation 423972 (VCV000423972.21), dbSNP rs1064796724, ClinGen allele CA16617423.

ClinVar aggregate classification (germline): Conflicting classifications of pathogenicity. Review status: criteria provided, conflicting classifications (1 of 4 stars). 5 submissions from 5 submitters: Uncertain significance (4); Likely benign (1). Last evaluated 2026-01-13.

Conditions:
Familial cancer of breast. Also called: Hereditary breast cancer; BREAST CANCER, FAMILIAL; hereditary breast carcinoma. Identifiers: Orphanet 227535, MedGen C0346153, MONDO:0016419, OMIM 114480. Disease mechanism: loss of function.
Hereditary cancer-predisposing syndrome. Also called: Hereditary neoplastic syndrome; Neoplastic Syndromes, Hereditary; Tumor predisposition; Hereditary Cancer Syndrome. Identifiers: Orphanet 140162, MedGen C0027672, MeSH D009386, MONDO:0015356.

gnomAD v4.1: 1 of 1,614,186 alleles (0.000062%); no homozygotes.

Submissions (5):

Labcorp Genetics (formerly Invitae), Labcorp
Classification: Uncertain significance for Familial cancer of breast. Last evaluated: 2026-01-13. Review status: criteria provided, single submitter. Criteria: Invitae Variant Classification Sherloc (09022015). Collection method: clinical testing. Allele origin: germline.
Comment: This sequence change replaces lysine, which is basic and polar, with asparagine, which is neutral and polar, at codon 757 of the BARD1 protein (p.Lys757Asn). This variant is not present in population databases (gnomAD no frequency). This variant has not been reported in the literature in individuals affected with BARD1-related conditions. ClinVar contains an entry for this variant (Variation ID: 423972). An algorithm developed to predict the effect of missense changes on protein structure and function (PolyPhen-2) suggests that this variant is likely to be tolerated. In summary, the available evidence is currently insufficient to determine the role of this variant in disease. Therefore, it has been classified as a Variant of Uncertain Significance.

Ambry Genetics
Classification: Likely benign for Hereditary cancer-predisposing syndrome. Last evaluated: 2024-02-26. Review status: criteria provided, single submitter. Criteria: Ambry Variant Classification Scheme 2023. Collection method: clinical testing. Allele origin: germline.

Color Diagnostics, LLC DBA Color Health
Classification: Uncertain significance for Hereditary cancer-predisposing syndrome. Last evaluated: 2023-12-05. Review status: criteria provided, single submitter. Criteria: ACMG Guidelines, 2015. Collection method: clinical testing. Allele origin: germline.
Comment: This missense variant replaces lysine with asparagine at codon 757 of the BARD1 protein. Computational prediction suggests that this variant may not impact protein structure and function (internally defined REVEL score threshold <= 0.5, PMID: 27666373). To our knowledge, functional studies have not been reported for this variant. This variant has not been reported in individuals affected with BARD1-related disorders in the literature. This variant has not been identified in the general population by the Genome Aggregation Database (gnomAD). The available evidence is insufficient to determine the role of this variant in disease conclusively. Therefore, this variant is classified as a Variant of Uncertain Significance.

Baylor Genetics
Classification: Uncertain significance for Familial cancer of breast. Last evaluated: 2023-09-04. Review status: criteria provided, single submitter. Criteria: ACMG Guidelines, 2015. Collection method: clinical testing. Allele origin: unknown.

GeneDx
Classification: Uncertain significance. Last evaluated: 2017-02-23. Review status: criteria provided, single submitter. Criteria: GeneDx Variant Classification (06012015). Collection method: clinical testing. Allele origin: germline. Affected: yes.
Comment: This variant is denoted BARD1 c.2271G>T at the cDNA level, p.Lys757Asn (K757N) at the protein level, and results in the change of a Lysine to an Asparagine (AAG>AAT). This variant has not, to our knowledge, been published in the literature as pathogenic or benign. BARD1 Lys757Asn was not observed in approximately 6,500 individuals of European and African American ancestry in the NHLBI Exome Sequencing Project, suggesting it is not a common benign variant in these populations. Since Lysine and Asparagine differ in some properties, this is considered a semi-conservative amino acid substitution. BARD1 Lys757Asn occurs at a position that is not conserved and is located in the BRCT2 domain (UniProt). In silico analyses are inconsistent regarding the effect this variant may have on protein structure and function. Based on currently available evidence, it is unclear whether BARD1 Lys757Asn is a pathogenic or benign variant. We consider it to be a variant of uncertain significance.